The following is an entry in ClinVar:

ClinVar aggregate classification (germline): Pathogenic (1 of 4 stars; one submission).

Conditions:
Hereditary cancer-predisposing syndrome. Also called: Neoplastic Syndromes, Hereditary; Tumor predisposition; Hereditary Cancer Syndrome; Hereditary neoplastic syndrome. Identifiers: Orphanet 140162, MedGen C0027672, MeSH D009386, MONDO:0015356.

Submission:

Labcorp Genetics (formerly Invitae), Labcorp
Classification: Pathogenic for Hereditary cancer-predisposing syndrome. Last evaluated: 2023-01-30. Review status: criteria provided, single submitter. Criteria: Invitae Variant Classification Sherloc (09022015). Collection method: clinical testing. Allele origin: germline.
Comment: For these reasons, this variant has been classified as Pathogenic. This variant has not been reported in the literature in individuals affected with RAD50-related conditions. This variant is not present in population databases (gnomAD no frequency). This sequence change creates a premature translational stop signal (p.Gln885*) in the RAD50 gene. It is expected to result in an absent or disrupted protein product. Loss-of-function variants in RAD50 are known to be pathogenic (PMID: 19409520).

Literature cited by the submitters: PubMed 19409520.

NM_005732.4(RAD50):c.2653C>T (p.Gln885Ter)

Gene: RAD50 (RAD50 double strand break repair protein; plus strand). Cytogenetic location: 5q31.1.
Variant type: single nucleotide variant.
Coding change: c.2653C>T on transcript NM_005732.4 (MANE Select); coding-DNA position 2653, C replaced by T.
Protein change: p.Gln885Ter; replaces glutamine 885 with a stop codon.
Molecular consequence: nonsense.
Genome position (GRCh38, 1-based): chr5:132,604,934, C>T. VCF-style: chr5-132604934-C-T. GRCh37 (hg19) VCF-style: chr5-131940626-C-T.
Other names: short protein forms Q885*.
Identifiers: ClinVar variation 2832877 (VCV002832877.3), dbSNP rs2479668587, ClinGen allele CA360956738.